The following is an entry in ClinVar:

NM_001388492.1(HTT):c.8175A>C (p.Thr2725=)

Gene: HTT (huntingtin; plus strand). Cytogenetic location: 4p16.3.
Variant type: single nucleotide variant.
Coding change: c.8175A>C on transcript NM_001388492.1 (MANE Select); coding-DNA position 8175, A replaced by C.
Protein change: p.Thr2725=; no amino-acid change (threonine 2725 retained).
Molecular consequence: synonymous variant.
Genome position (GRCh38, 1-based): chr4:3,229,952, A>C. VCF-style: chr4-3229952-A-C. GRCh37 (hg19) VCF-style: chr4-3231679-A-C.
Other names: c.8181A>C, p.Thr2727= (NM_002111.8).
Identifiers: ClinVar variation 1599414 (VCV001599414.34), dbSNP rs201467885, ClinGen allele CA2825628.
Genomic context (GRCh38, chr4:3,229,952, plus strand): 5'-AGTGGTCTCAGACTTGTTCACCGAGCGCAACCAGTTTGAGCTGATGTATGTGACGCTGAC[A>C]GAACTGCGAAGGGTGCACCCTTCAGAAGACGAGATCCTCGCTCAGTACCTGGTGCCTGCC-3'
Protein context (NP_001375421.1, residues 2715-2735): NQFELMYVTL[Thr2725=]ELRRVHPSED

ClinVar aggregate classification (germline): Benign/Likely benign. Review status: criteria provided, multiple submitters, no conflicts (2 of 4 stars). 4 submissions from 4 submitters: Benign (2); Likely benign (2). Last evaluated 2025-10-01.

Allele frequency attached by ClinVar (database versions not stated): 1000 Genomes Project 30x 0.00078; 1000 Genomes Project 0.00080; ESP Exome Variant Server 0.00155; ExAC 0.00157; gnomAD exomes 0.00159; gnomAD 0.00184 and 0.00190; TOPMed 0.00242.
gnomAD v4.1: 4,389 of 1,614,138 alleles (0.27%); highest among the groups gnomAD compares: Non-Finnish European, 0.34%; 9 homozygotes.

Submissions (4):

CeGaT Center for Human Genetics Tuebingen
Classification: Likely benign. Last evaluated: 2025-10-01. Review status: criteria provided, single submitter. Criteria: CeGaT Center For Human Genetics Tuebingen Variant Classification Criteria Version 2. Collection method: clinical testing. Allele origin: germline. Affected: yes. Observed: 3 variant alleles.
Comment: HTT: BP4, BP7

Blueprint Genetics
Classification: Likely benign. Last evaluated: 2024-11-20. Review status: criteria provided, single submitter. Criteria: ACMG Guidelines, 2015. Collection method: clinical testing. Allele origin: germline.

Labcorp Genetics (formerly Invitae), Labcorp
Classification: Benign. Last evaluated: 2024-10-17. Review status: criteria provided, single submitter. Criteria: Invitae Variant Classification Sherloc (09022015). Collection method: clinical testing. Allele origin: germline.

Breakthrough Genomics
Classification: Benign. Review status: criteria provided, single submitter. Criteria: ACMG Guidelines, 2015. Collection method: not provided. Allele origin: germline. Inheritance: Autosomal recessive inheritance. Affected: yes.